The following is an entry in ClinVar:

NM_001378454.1(ALMS1):c.11878dup (p.Ser3960fs)

Genes: ALMS1 (ALMS1 centrosome and basal body associated protein; plus strand), LOC126806252 (BRD4-independent group 4 enhancer GRCh37_chr2:73828496-73829695; plus strand). Cytogenetic location: 2p13.1.
Variant type: Duplication.
Coding change: c.11878dup on transcript NM_001378454.1 (MANE Select); coding-DNA position 11878, one base duplicated (T; older notation c.11878dupT).
Protein change: p.Ser3960fs; shifts the reading frame from serine 3960.
Molecular consequence: frameshift variant.
Genome position (GRCh38, 1-based): chr2:73,601,200, T duplicated; the last of 3 consecutive T bases (chr2:73,601,198-73,601,200); duplicating any one gives the same sequence. VCF-style (leftmost placement, unchanged base first): chr2-73601197-G-GT. GRCh37 (hg19) VCF-style: chr2-73828324-G-GT.
Other names: c.11881dup, p.Ser3961fs (NM_015120.4); c.11881dupT (NM_015120.4); short protein forms S3960fs, S3961fs.
Identifiers: ClinVar variation 2734232 (VCV002734232.6), dbSNP rs758732551, ClinGen allele CA2586969571.

ClinVar aggregate classification (germline): Pathogenic. Review status: criteria provided, multiple submitters, no conflicts (2 of 4 stars). 3 submissions from 3 submitters: Pathogenic (3). Last evaluated 2026-03-11.

Conditions:
Cardiovascular phenotype. Identifiers: MedGen CN230736.
Alstrom syndrome (ALMS). Identifiers: Orphanet 64, MedGen C0268425, MONDO:0008763, OMIM 203800.

Submissions (3):

Ambry Genetics
Classification: Pathogenic for Cardiovascular phenotype. Last evaluated: 2026-03-11. Review status: criteria provided, single submitter. Criteria: Ambry Variant Classification Scheme 2023. Collection method: clinical testing. Allele origin: germline.
Comment: The c.11881dupT pathogenic mutation, located in coding exon 19 of the ALMS1 gene, results from a duplication of T at nucleotide position 11881, causing a translational frameshift with a predicted alternate stop codon (p.S3961Ffs*12). This variant was reported in individual(s) with features consistent with Alstrom syndrome (Marshall JD et al. Hum Mutat, 2015 Jul;36:660-8). This variant is considered to be rare based on population cohorts in the Genome Aggregation Database (gnomAD). This alteration is expected to result in loss of function by premature protein truncation or nonsense-mediated mRNA decay. As such, this alteration is interpreted as a disease-causing mutation.

Natera, Inc.
Classification: Pathogenic for Alstrom syndrome. Last evaluated: 2025-04-11. Review status: criteria provided, single submitter. Criteria: Natera Variant Classification Schema (03/2026). Collection method: clinical testing. Allele origin: germline.
Comment: The c.11881dup variant in ALMS1 is a frameshift variant predicted to shift the reading frame beginning at codon 3961 and leads to a stop codon 12 codons downstream. This variant is expected to result in nonsense mediated decay, truncation, or a dysfunctional protein product. This variant is rare in the general population with a frequency below the threshold expected for the associated phenotype(s). This variant has been observed in one or more individuals affected with the associated recessive disease, as either homozygous or compound heterozygous with a second variant (PMID: 34716235, 25846608, 35764379). Given the available evidence, this variant is classified as Pathogenic.

Labcorp Genetics (formerly Invitae), Labcorp
Classification: Pathogenic for Alstrom syndrome. Last evaluated: 2023-02-14. Review status: criteria provided, single submitter. Criteria: Invitae Variant Classification Sherloc (09022015). Collection method: clinical testing. Allele origin: germline.
Comment: This sequence change creates a premature translational stop signal (p.Ser3961Phefs*12) in the ALMS1 gene. It is expected to result in an absent or disrupted protein product. Loss-of-function variants in ALMS1 are known to be pathogenic (PMID: 17594715). This variant is not present in population databases (gnomAD no frequency). This premature translational stop signal has been observed in individual(s) with Alström syndrome (PMID: 25846608). For these reasons, this variant has been classified as Pathogenic.

Literature cited by the submitters: PubMed 25846608 (cited by 3 submitters); PubMed 34716235 (cited by Natera, Inc.); PubMed 35764379 (cited by Natera, Inc.); PubMed 17594715 (cited by Labcorp Genetics (formerly Invitae), Labcorp).